The following is an entry in ClinVar:

ClinVar aggregate classification (germline): Benign/Likely benign. Review status: criteria provided, multiple submitters, no conflicts (2 of 4 stars). 4 submissions from 4 submitters: Benign (2); Likely benign (2). Last evaluated 2026-08-10.

Conditions:
MOCOS-related disorder. Also called: MOCOS-related condition.
Xanthinuria type II. Also called: Xanthine dehydrogenase and aldehyde oxidase combined deficiency of; XDH and AOX dual deficiency. Identifiers: Orphanet 3467, Orphanet 93602, MedGen C1863688, MONDO:0011346, OMIM 603592.

Allele frequency attached by ClinVar (database versions not stated): gnomAD 0.00043 and 0.00047; TOPMed 0.00052; gnomAD exomes 0.00055 and 0.00104; ESP Exome Variant Server 0.00069; ExAC 0.00112; 1000 Genomes Project 30x 0.00172; 1000 Genomes Project 0.00180.
gnomAD v4.1: 932 of 1,613,466 alleles (0.058%); highest among the groups gnomAD compares: Middle Eastern, 0.58%; 11 homozygotes.

Submissions (4):

PreventionGenetics, part of Exact Sciences
Classification: Likely benign for MOCOS-related condition. Last evaluated: 2026-08-10. Review status: criteria provided, single submitter. Criteria: ACMG Guidelines, 2015. Collection method: clinical testing. Allele origin: germline.
Comment: This variant is classified as likely benign based on ACMG/AMP sequence variant interpretation guidelines (Richards et al. 2015 PMID: 25741868, with internal and published modifications).

Labcorp Genetics (formerly Invitae), Labcorp
Classification: Benign for Xanthinuria type II. Last evaluated: 2025-12-11. Review status: criteria provided, single submitter. Criteria: Invitae Variant Classification Sherloc (09022015). Collection method: clinical testing. Allele origin: germline.

Blueprint Genetics
Classification: Likely benign. Last evaluated: 2024-11-21. Review status: criteria provided, single submitter. Criteria: ACMG Guidelines, 2015. Collection method: clinical testing. Allele origin: germline.

Breakthrough Genomics
Classification: Benign. Review status: criteria provided, single submitter. Criteria: ACMG Guidelines, 2015. Collection method: not provided. Allele origin: germline. Inheritance: Autosomal recessive inheritance. Affected: yes.

NM_017947.4(MOCOS):c.1326G>A (p.Lys442=)

Gene: MOCOS (molybdenum cofactor sulfurase; plus strand). Cytogenetic location: 18q12.2.
Variant type: single nucleotide variant.
Coding change: c.1326G>A on transcript NM_017947.4 (MANE Select); coding-DNA position 1326, G replaced by A.
Protein change: p.Lys442=; no amino-acid change (lysine 442 retained).
Molecular consequence: synonymous variant.
Genome position (GRCh38, 1-based): chr18:36,213,473, G>A. VCF-style: chr18-36213473-G-A. GRCh37 (hg19) VCF-style: chr18-33793436-G-A.
Identifiers: ClinVar variation 779691 (VCV000779691.14), dbSNP rs147875201, ClinGen allele CA8940693.